The following is an entry in ClinVar:

NM_033118.4(MYLK2):c.1225-20G>T

Gene: MYLK2 (myosin light chain kinase 2; plus strand). Cytogenetic location: 20q11.21.
Variant type: single nucleotide variant.
Coding change: c.1225-20G>T on transcript NM_033118.4 (MANE Select); 20 bases into the intron before coding-DNA position 1225, G replaced by T.
Molecular consequence: intron variant.
Genome position (GRCh38, 1-based): chr20:31,830,799, G>T. VCF-style: chr20-31830799-G-T. GRCh37 (hg19) VCF-style: chr20-30418602-G-T.
Identifiers: ClinVar variation 510460 (VCV000510460.5), dbSNP rs368839195, ClinGen allele CA9803146.

ClinVar aggregate classification (germline): Likely benign. Review status: criteria provided, multiple submitters, no conflicts (2 of 4 stars). 2 submissions from 2 submitters: Likely benign (2). Last evaluated 2025-09-01.

Conditions:
Hypertrophic cardiomyopathy 1 (CMH1). Also called: MYH7-Related Familial Hypertrophic Cardiomyopathy; Familial hypertrophic cardiomyopathy 1. Identifiers: MedGen C3495498, MONDO:0008647, OMIM 192600.

Allele frequency attached by ClinVar (database versions not stated): gnomAD exomes 0.00001 and 0.00002; ExAC 0.00003; gnomAD 0.00009; TOPMed 0.00012; ESP Exome Variant Server 0.00015.
gnomAD v4.1: 23 of 1,610,814 alleles (0.0014%); highest among the groups gnomAD compares: African/African-American, 0.031%; no homozygotes.

Submissions (2):

Labcorp Genetics (formerly Invitae), Labcorp
Classification: Likely benign for Hypertrophic cardiomyopathy 1. Last evaluated: 2025-09-01. Review status: criteria provided, single submitter. Criteria: Invitae Variant Classification Sherloc (09022015). Collection method: clinical testing. Allele origin: germline.

GeneDx
Classification: Likely benign. Last evaluated: 2018-01-19. Review status: criteria provided, single submitter. Criteria: GeneDx Variant Classification (06012015). Collection method: clinical testing. Allele origin: germline. Affected: yes.
Comment: This variant is considered likely benign or benign based on one or more of the following criteria: it is a conservative change, it occurs at a poorly conserved position in the protein, it is predicted to be benign by multiple in silico algorithms, and/or has population frequency not consistent with disease.